The following is an entry in ClinVar:

ClinVar aggregate classification (germline): Likely benign (1 of 4 stars; one submission).

Submission:

CeGaT Center for Human Genetics Tuebingen
Classification: Likely benign. Last evaluated: 2025-12-01. Review status: criteria provided, single submitter. Criteria: CeGaT Center For Human Genetics Tuebingen Variant Classification Criteria Version 2. Collection method: clinical testing. Allele origin: germline. Affected: yes. Observed: 1 variant allele.
Comment: ANK3: PM2:Supporting, BP4, BP7

NM_020987.5(ANK3):c.11136T>G (p.Ser3712=)

Gene: ANK3 (ankyrin 3; minus strand). Cytogenetic location: 10q21.2.
Variant type: single nucleotide variant.
Coding change: c.11136T>G on transcript NM_020987.5 (MANE Select); coding-DNA position 11136, T replaced by G.
Protein change: p.Ser3712=; no amino-acid change (serine 3712 retained).
Molecular consequence: synonymous variant. On other transcripts: intron variant (4).
Genome position (GRCh38, 1-based): chr10:60,069,745, A>C on the plus strand (T>G on the coding strand, the complement: ANK3 is on the minus strand). VCF-style: chr10-60069745-A-C. GRCh37 (hg19) VCF-style: chr10-61829503-A-C.
Other names: c.4388-1736T>G (NM_001204403.2); c.4409-1736T>G (NM_001204404.2); c.4406-1736T>G (NM_001320874.2); c.1808-1736T>G (NM_001149.4).
Identifiers: ClinVar variation 4681784 (VCV004681784.5).
Genomic context (GRCh38, chr10:60,069,745, plus strand): 5'-GGTCATGGTGGATGCAGAAATTCCCATTTTTATAGGCGTGCGCAACTTGGGGTCAACTTT[A>C]GAGGTGTTAGTGGCTGCTGCTGATTTCTCCAGGGAGCCACTACTGGATGTGCCTTCCTGA-3'
Protein context (NP_066267.2, residues 3702-3722): LEKSAAATNT[Ser3712=]KVDPKLRTPI